The following is an entry in ClinVar:

NM_001394062.1(MACF1):c.12982C>G (p.Arg4328Gly)

Gene: MACF1 (microtubule actin crosslinking factor 1; plus strand). Cytogenetic location: 1p34.3.
Variant type: single nucleotide variant.
Coding change: c.12982C>G on transcript NM_001394062.1 (MANE Select); coding-DNA position 12982, C replaced by G.
Protein change: p.Arg4328Gly; replaces arginine 4328 with glycine.
Molecular consequence: missense variant.
Genome position (GRCh38, 1-based): chr1:39,370,073, C>G. VCF-style: chr1-39370073-C-G. GRCh37 (hg19) VCF-style: chr1-39835745-C-G.
Other names: c.6796C>G, p.Arg2266Gly (NM_012090.5); short protein forms R2266G, R4328G.
Identifiers: ClinVar variation 2214859 (VCV002214859.8), dbSNP rs143291154, ClinGen allele CA781928.

ClinVar aggregate classification (germline): Likely benign. Review status: criteria provided, multiple submitters, no conflicts (2 of 4 stars). 4 submissions from 4 submitters: Likely benign (4). Last evaluated 2025-11-12.

Conditions:
Inborn genetic diseases. Identifiers: MedGen C0950123, MeSH D030342.

Allele frequency attached by ClinVar (database versions not stated): ESP Exome Variant Server 0.00038.
gnomAD v4.1: 272 of 1,613,586 alleles (0.017%); highest among the groups gnomAD compares: Non-Finnish European, 0.02%; no homozygotes.

Submissions (4):

Dasa
Classification: Likely benign. Last evaluated: 2025-11-12. Review status: criteria provided, single submitter. Criteria: DASA Assertion Criteria. Collection method: clinical testing. Allele origin: germline.
Comment: NM_001394062.1(MACF1):c.12982C>G (p.Arg4328Gly) is a missense variant that results in the substitution of arginine with glycine. Computational prediction algorithms are consistent with a benign effect. Therefore, based on the currently available evidence, this variant is classified as likely benign.

Labcorp Genetics (formerly Invitae), Labcorp
Classification: Likely benign. Last evaluated: 2024-10-28. Review status: criteria provided, single submitter. Criteria: Invitae Variant Classification Sherloc (09022015). Collection method: clinical testing. Allele origin: germline.

Blueprint Genetics
Classification: Likely benign. Last evaluated: 2024-10-02. Review status: criteria provided, single submitter. Criteria: ACMG Guidelines, 2015. Collection method: clinical testing. Allele origin: germline.

Ambry Genetics
Classification: Likely benign for Inborn genetic diseases. Last evaluated: 2021-10-27. Review status: criteria provided, single submitter. Criteria: Ambry Variant Classification Scheme 2023. Collection method: clinical testing. Allele origin: germline.